The following is an entry in ClinVar:

ClinVar aggregate classification (germline): Benign (1 of 4 stars; one submission).

Allele frequency attached by ClinVar (database versions not stated): 1000 Genomes Project 0.00040; 1000 Genomes Project 30x 0.00047; gnomAD 0.00070; TOPMed 0.00071; ESP Exome Variant Server 0.00085.
gnomAD v4.1: 1,112 of 1,613,906 alleles (0.069%); highest among the groups gnomAD compares: Middle Eastern, 1.3%; 6 homozygotes.

Submission:

CeGaT Center for Human Genetics Tuebingen
Classification: Benign. Last evaluated: 2024-02-01. Review status: criteria provided, single submitter. Criteria: CeGaT Center For Human Genetics Tuebingen Variant Classification Criteria Version 2. Collection method: clinical testing. Allele origin: germline. Affected: yes. Observed: 3 variant alleles.
Comment: BIRC6: BP4, BS1, BS2

NM_016252.4(BIRC6):c.2423A>G (p.Gln808Arg)

Gene: BIRC6 (baculoviral IAP repeat containing 6; plus strand). Cytogenetic location: 2p22.3.
Variant type: single nucleotide variant.
Coding change: c.2423A>G on transcript NM_016252.4 (MANE Select); coding-DNA position 2423, A replaced by G.
Protein change: p.Gln808Arg; replaces glutamine 808 with arginine.
Molecular consequence: missense variant.
Genome position (GRCh38, 1-based): chr2:32,415,714, A>G. VCF-style: chr2-32415714-A-G. GRCh37 (hg19) VCF-style: chr2-32640782-A-G.
Other names: c.2339A>G, p.Gln780Arg (NM_001378125.1); short protein forms Q780R, Q808R.
Identifiers: ClinVar variation 2650810 (VCV002650810.24), dbSNP rs144578684, ClinGen allele CA1602921.